The following is an entry in ClinVar:

NM_020989.4(CRYGC):c.280G>A (p.Glu94Lys)

Genes: CRYGC (crystallin gamma C; minus strand), LOC100507443 (uncharacterized LOC100507443; plus strand). Cytogenetic location: 2q33.3.
Variant type: single nucleotide variant.
Coding change: c.280G>A on transcript NM_020989.4 (MANE Select); coding-DNA position 280, G replaced by A.
Protein change: p.Glu94Lys; replaces glutamic acid 94 with lysine.
Molecular consequence: missense variant.
Genome position (GRCh38, 1-based): chr2:208,128,448, C>T on the plus strand (G>A on the coding strand, the complement: CRYGC is on the minus strand). VCF-style: chr2-208128448-C-T. GRCh37 (hg19) VCF-style: chr2-208993172-C-T.
Other names: short protein forms E94K.
Identifiers: ClinVar variation 534185 (VCV000534185.10), dbSNP rs200572745, ClinGen allele CA2077870.

ClinVar aggregate classification (germline): Uncertain significance (1 of 4 stars; one submission).

Conditions:
Nuclear pulverulent cataract (CTRCT2). Identifiers: MedGen C1852438, HP:0010698.

Allele frequency attached by ClinVar (database versions not stated): TOPMed 0.00003; gnomAD 0.00004.

Submission:

Labcorp Genetics (formerly Invitae), Labcorp
Classification: Uncertain significance for Nuclear pulverulent cataract. Last evaluated: 2017-09-20. Review status: criteria provided, single submitter. Criteria: Invitae Variant Classification Sherloc (09022015). Collection method: clinical testing. Allele origin: germline.
Comment: This sequence change replaces glutamic acid with lysine at codon 94 of the CRYGC protein (p.Glu94Lys). The glutamic acid residue is highly conserved and there is a small physicochemical difference between glutamic acid and lysine. This variant is present in population databases (rs200572745, ExAC 0.01%). This variant has been reported in the literature in an individual with uni-lateral sporadic congenital cataract (PMID: 27307692). Algorithms developed to predict the effect of missense changes on protein structure and function do not agree on the potential impact of this missense change (SIFT: "Deleterious"; PolyPhen-2: "Possibly Damaging"; Align-GVGD: "Class C15"). In summary, the available evidence is currently insufficient to determine the role of this variant in disease. Therefore, it has been classified as a Variant of Uncertain Significance.

Literature cited by the submitters: PubMed 27307692.